The following is an entry in ClinVar:

NM_201384.3(PLEC):c.10432G>A (p.Val3478Met)

Gene: PLEC (plectin; minus strand). Cytogenetic location: 8q24.3.
Variant type: single nucleotide variant.
Coding change: c.10432G>A on transcript NM_201384.3 (MANE Select); coding-DNA position 10432, G replaced by A.
Protein change: p.Val3478Met; replaces valine 3478 with methionine.
Molecular consequence: missense variant.
Genome position (GRCh38, 1-based): chr8:143,919,389, C>T on the plus strand (G>A on the coding strand, the complement: PLEC is on the minus strand). VCF-style: chr8-143919389-C-T. GRCh37 (hg19) VCF-style: chr8-144993557-C-T.
Other names: c.10513G>A, p.Val3505Met (NM_000445.5); c.10390G>A, p.Val3464Met (NM_201378.4); c.10366G>A, p.Val3456Met (NM_201379.3); c.10843G>A, p.Val3615Met (NM_201380.4); c.10336G>A, p.Val3446Met (NM_201381.3); c.10432G>A, p.Val3478Met (NM_201382.4); c.10444G>A, p.Val3482Met (NM_201383.3); short protein forms V3446M, V3505M, V3482M, V3456M, V3464M, V3478M, V3615M.
Identifiers: ClinVar variation 538922 (VCV000538922.13), dbSNP rs375766567, ClinGen allele CA4924654.

ClinVar aggregate classification (germline): Uncertain significance (1 of 4 stars; one submission).

Conditions:
Epidermolysis bullosa simplex with nail dystrophy (EBS5D). Identifiers: MedGen C4225309, MONDO:0014661, OMIM 616487.
Epidermolysis bullosa simplex 5B, with muscular dystrophy (EBS5B). Also called: EPIDERMOLYSIS BULLOSA SIMPLEX AND LIMB-GIRDLE MUSCULAR DYSTROPHY; Epidermolysis bullosa simplex with muscular dystrophy. Identifiers: Orphanet 257, MedGen C2931072, MONDO:0009181, OMIM 226670.
Epidermolysis bullosa simplex, Ogna type (EBS5A). Also called: Pidermolysis bullosa simplex 5A, Ogna type; EPIDERMOLYSIS BULLOSA SIMPLEX 5A, OGNA TYPE. Identifiers: Orphanet 79401, MedGen C0432317, MONDO:0007555, OMIM 131950.
Autosomal recessive limb-girdle muscular dystrophy type 2Q (LGMDR17). Also called: MUSCULAR DYSTROPHY, LIMB-GIRDLE, AUTOSOMAL RECESSIVE 17. Identifiers: Orphanet 254361, MedGen C3150989, MONDO:0013390, OMIM 613723.
Epidermolysis bullosa simplex 5C, with pyloric atresia (EBS5C). Also called: PLEC-Related Epidermolysis Bullosa with Pyloric Atresia; Epidermolysis bullosa simplex with pyloric atresia; PLEC1-Related Epidermolysis Bullosa with Pyloric Atresia. Identifiers: Orphanet 158684, MedGen C2677349, MONDO:0012807, OMIM 612138.

Allele frequency attached by ClinVar (database versions not stated): TOPMed 0.00001; ExAC 0.00002; gnomAD 0.00002 and 0.00003; gnomAD exomes 0.00002; ESP Exome Variant Server 0.00008.
gnomAD v4.1: 77 of 1,613,468 alleles (0.0048%); highest among the groups gnomAD compares: Admixed American, 0.013%; no homozygotes.

Submission:

Labcorp Genetics (formerly Invitae), Labcorp
Classification: Uncertain significance for Autosomal recessive limb-girdle muscular dystrophy type 2Q; Epidermolysis bullosa simplex, Ogna type; Epidermolysis bullosa simplex with nail dystrophy; Epidermolysis bullosa simplex 5C, with pyloric atresia; Epidermolysis bullosa simplex 5B, with muscular dystrophy. Last evaluated: 2025-10-01. Review status: criteria provided, single submitter. Criteria: Invitae Variant Classification Sherloc (09022015). Collection method: clinical testing. Allele origin: germline.
Comment: This sequence change replaces valine, which is neutral and non-polar, with methionine, which is neutral and non-polar, at codon 3505 of the PLEC protein (p.Val3505Met). This variant is present in population databases (rs375766567, gnomAD 0.009%). This variant has not been reported in the literature in individuals affected with PLEC-related conditions. ClinVar contains an entry for this variant (Variation ID: 538922). Invitae Evidence Modeling of protein sequence and biophysical properties (such as structural, functional, and spatial information, amino acid conservation, physicochemical variation, residue mobility, and thermodynamic stability) indicates that this missense variant is not expected to disrupt PLEC protein function with a negative predictive value of 80%. In summary, the available evidence is currently insufficient to determine the role of this variant in disease. Therefore, it has been classified as a Variant of Uncertain Significance.